The following is an entry in ClinVar:

NM_000535.7(PMS2):c.1342G>A (p.Gly448Arg)

Gene: PMS2 (PMS1 homolog 2, mismatch repair system component; minus strand). Cytogenetic location: 7p22.1.
Variant type: single nucleotide variant.
Coding change: c.1342G>A on transcript NM_000535.7 (MANE Select); coding-DNA position 1342, G replaced by A.
Protein change: p.Gly448Arg; replaces glycine 448 with arginine.
Molecular consequence: missense variant. On other transcripts: non-coding transcript variant (1).
Genome position (GRCh38, 1-based): chr7:5,987,423, C>T on the plus strand (G>A on the coding strand, the complement: PMS2 is on the minus strand). VCF-style: chr7-5987423-C-T. GRCh37 (hg19) VCF-style: chr7-6027054-C-T.
Other names: c.937G>A, p.Gly313Arg (NM_001322003.2, NM_001322004.2, NM_001322005.2 and 1 more transcripts); c.1186G>A, p.Gly396Arg (NM_001322006.2); c.1024G>A, p.Gly342Arg (NM_001322007.2, NM_001322008.2); c.781G>A, p.Gly261Arg (NM_001322010.2); c.409G>A, p.Gly137Arg (NM_001322011.2, NM_001322012.2); c.769G>A, p.Gly257Arg (NM_001322013.2); c.1342G>A, p.Gly448Arg (NM_001322014.2); c.1033G>A, p.Gly345Arg (NM_001322015.2); short protein forms G137R, G313R, G345R, G342R, G396R, G448R, G257R, G261R.
Identifiers: ClinVar variation 937988 (VCV000937988.10), dbSNP rs786203757, ClinGen allele CA366742295.

ClinVar aggregate classification (germline): Conflicting classifications of pathogenicity. Review status: criteria provided, conflicting classifications (1 of 4 stars). 2 submissions from 2 submitters: Uncertain significance (1); Likely benign (1). Last evaluated 2025-10-28.

Conditions:
Hereditary nonpolyposis colorectal neoplasms. Identifiers: MedGen C0009405, MeSH D003123.
Hereditary cancer-predisposing syndrome. Also called: Tumor predisposition; Hereditary neoplastic syndrome; Hereditary Cancer Syndrome; Neoplastic Syndromes, Hereditary. Identifiers: Orphanet 140162, MedGen C0027672, MeSH D009386, MONDO:0015356.

Submissions (2):

Labcorp Genetics (formerly Invitae), Labcorp
Classification: Uncertain significance for Hereditary nonpolyposis colorectal neoplasms. Last evaluated: 2025-10-28. Review status: criteria provided, single submitter. Criteria: Invitae Variant Classification Sherloc (09022015). Collection method: clinical testing. Allele origin: germline.
Comment: This sequence change replaces glycine, which is neutral and non-polar, with arginine, which is basic and polar, at codon 448 of the PMS2 protein (p.Gly448Arg). This variant is not present in population databases (gnomAD no frequency). This variant has not been reported in the literature in individuals affected with PMS2-related conditions. ClinVar contains an entry for this variant (Variation ID: 937988). Invitae Evidence Modeling incorporating data from in vitro experimental studies (internal data) indicates that this missense variant is not expected to disrupt PMS2 function with a negative predictive value of 95%. In summary, the available evidence is currently insufficient to determine the role of this variant in disease. Therefore, it has been classified as a Variant of Uncertain Significance.

Ambry Genetics
Classification: Likely benign for Hereditary cancer-predisposing syndrome. Last evaluated: 2019-09-23. Review status: criteria provided, single submitter. Criteria: Ambry Variant Classification Scheme 2023. Collection method: clinical testing. Allele origin: germline.